The following is an entry in ClinVar:

NM_203446.3(SYNJ1):c.-90G>A

Gene: SYNJ1 (synaptojanin 1; minus strand). Cytogenetic location: 21q22.11.
Variant type: single nucleotide variant.
Coding change: c.-90G>A on transcript NM_203446.3 (MANE Select); 90 bases upstream of the start codon, G replaced by A.
Molecular consequence: 5 prime UTR variant. On other transcripts: missense variant (1).
Genome position (GRCh38, 1-based): chr21:32,728,013, C>T on the plus strand (G>A on the coding strand, the complement: SYNJ1 is on the minus strand). VCF-style: chr21-32728013-C-T. GRCh37 (hg19) VCF-style: chr21-34100324-C-T.
Other names: c.28G>A, p.Gly10Arg (NM_003895.4); short protein forms G10R.
Identifiers: ClinVar variation 4756071 (VCV004756071.1).
Genomic context (GRCh38, chr21:32,728,013, plus strand): 5'-TCCGGCTCCTCCTCCTCCTTCTCCCGCAGCCGCCGCCACAGCCGCCGGGAGCGTCACTTC[C>T]GCTCCAGCAGGCCCATCTCTTCCGCATTGCGCCGCGGCCGGGGGCGGAAGATCCGCCCCG-3'

ClinVar aggregate classification (germline): Uncertain significance (1 of 4 stars; one submission).

Submission:

GeneDx
Classification: Uncertain significance. Last evaluated: 2025-08-08. Review status: criteria provided, single submitter. Criteria: GeneDx Variant Classification Process June 2021. Collection method: clinical testing. Allele origin: germline. Affected: yes.
Comment: Not observed at significant frequency in large population cohorts (gnomAD); In silico analysis suggests that this missense variant does not alter protein structure/function; Has not been previously published as pathogenic or benign to our knowledge